The following is an entry in ClinVar:

ClinVar aggregate classification (germline): Conflicting classifications of pathogenicity. Review status: criteria provided, conflicting classifications (1 of 4 stars). 8 submissions from 8 submitters: Uncertain significance (5); Likely benign (2). 1 of the submissions does not count toward it. Last evaluated 2025-05-06.

Conditions:
Hereditary cancer-predisposing syndrome. Also called: Hereditary neoplastic syndrome; Tumor predisposition; Hereditary Cancer Syndrome; Neoplastic Syndromes, Hereditary. Identifiers: Orphanet 140162, MedGen C0027672, MeSH D009386, MONDO:0015356.
Familial cancer of breast. Also called: hereditary breast carcinoma; Hereditary breast cancer; BREAST CANCER, FAMILIAL. Identifiers: Orphanet 227535, MedGen C0346153, MONDO:0016419, OMIM 114480. Disease mechanism: loss of function.

Submissions (8):

Labcorp Genetics (formerly Invitae), Labcorp
Classification: Uncertain significance for Familial cancer of breast. Last evaluated: 2025-05-06. Review status: criteria provided, single submitter. Criteria: Invitae Variant Classification Sherloc (09022015). Collection method: clinical testing. Allele origin: germline.
Comment: This sequence change replaces arginine, which is basic and polar, with glycine, which is neutral and non-polar, at codon 170 of the PALB2 protein (p.Arg170Gly). This variant is not present in population databases (gnomAD no frequency). This missense change has been observed in individual(s) with cancer (PMID: 29555771). ClinVar contains an entry for this variant (Variation ID: 220654). An algorithm developed to predict the effect of missense changes on protein structure and function (PolyPhen-2) suggests that this variant is likely to be tolerated. In summary, the available evidence is currently insufficient to determine the role of this variant in disease. Therefore, it has been classified as a Variant of Uncertain Significance.

Ambry Genetics
Classification: Likely benign for Hereditary cancer-predisposing syndrome. Last evaluated: 2024-10-09. Review status: criteria provided, single submitter. Criteria: Ambry Variant Classification Scheme 2023. Collection method: clinical testing. Allele origin: germline.

GeneDx
Classification: Uncertain significance. Last evaluated: 2024-08-08. Review status: criteria provided, single submitter. Criteria: GeneDx Variant Classification Process June 2021. Collection method: clinical testing. Allele origin: germline. Affected: yes.
Comment: Not observed at significant frequency in large population cohorts (gnomAD); In silico analysis indicates that this missense variant does not alter protein structure/function; Observed in an individual reported to have a PALB2-related neoplasm in published literature (PMID: 29555771); This variant is associated with the following publications: (PMID: 26283626, 20871615, 19369211, 31980526, 29555771)

Quest Diagnostics Nichols Institute San Juan Capistrano
Classification: Uncertain significance. Last evaluated: 2023-07-07. Review status: criteria provided, single submitter. Criteria: Quest Diagnostics criteria. Collection method: clinical testing. Allele origin: unknown.
Comment: In the published literature, this variant has been reported in an unaffected individual (PMID: 26283626 (2015)). This variant has not been reported in large, multi-ethnic general populations (Genome Aggregation Database). Analysis of this variant using bioinformatics tools for the prediction of the effect of amino acid changes on protein structure and function yielded predictions that this variant is benign. Based on the available information, we are unable to determine the clinical significance of this variant.

Myriad Genetics, Inc.
Classification: Uncertain significance for Familial cancer of breast. Last evaluated: 2023-03-30. Review status: criteria provided, single submitter. Criteria: Myriad Autosomal Dominant, Autosomal Recessive and X-Linked Classification Criteria (2023). Collection method: clinical testing. Allele origin: unknown.
Comment: This variant is classified as a variant of uncertain significance as there is insufficient evidence to determine its impact on protein function and/or cancer risk.

Women's Health and Genetics/Laboratory Corporation of America, LabCorp
Classification: Uncertain significance. Last evaluated: 2023-01-19. Review status: criteria provided, single submitter. Criteria: LabCorp Variant Classification Summary - May 2015. Collection method: clinical testing. Allele origin: germline.
Comment: Variant summary: PALB2 c.508A>G (p.Arg170Gly) results in a non-conservative amino acid change in the encoded protein sequence. Four of five in-silico tools predict a benign effect of the variant on protein function. The variant was absent in 251458 control chromosomes. The available data on variant occurrences in the general population are insufficient to allow any conclusion about variant significance. c.508A>G has been reported in the literature in individuals affected with cancer (Perkins_2018, Hou_2020) and in healthy controls (Thompson_2015). These report(s) do not provide unequivocal conclusions about association of the variant with Hereditary Breast And Ovarian Cancer Syndrome. To our knowledge, no experimental evidence demonstrating an impact on protein function has been reported. Five clinical diagnostic laboratories have submitted clinical-significance assessments for this variant to ClinVar after 2014 (uncertain significance: n=4, likely benign: n=1). Based on the evidence outlined above, the variant was classified as uncertain significance.

Cancer Genetics Laboratory, Peter MacCallum Cancer Centre
Classification: Likely benign for Familial cancer of breast. Last evaluated: 2015-06-01. Review status: criteria provided, single submitter. Criteria: Thompson et al. (Breast Cancer Res. 2015). Collection method: case-control. Allele origin: germline. Affected: no. Observed: 1 variant allele, 1 heterozygote.

Counsyl
Classification: Uncertain significance for Familial cancer of breast. Last evaluated: 2016-08-22. Review status: no assertion criteria provided. Collection method: clinical testing. Allele origin: unknown. Not counted in ClinVar's aggregate classification.

Literature cited by the submitters: PubMed 29555771 (cited by 3 submitters); PubMed 26283626 (cited by 3 submitters); PubMed 31980526 (cited by Quest Diagnostics Nichols Institute San Juan Capistrano and Women's Health and Genetics/Laboratory Corporation of America, LabCorp).

NM_024675.4(PALB2):c.508A>G (p.Arg170Gly)

Gene: PALB2 (partner and localizer of BRCA2; minus strand). Cytogenetic location: 16p12.2.
Variant type: single nucleotide variant.
Coding change: c.508A>G on transcript NM_024675.4 (MANE Select); coding-DNA position 508, A replaced by G.
Protein change: p.Arg170Gly; replaces arginine 170 with glycine.
Molecular consequence: missense variant.
Genome position (GRCh38, 1-based): chr16:23,636,038, T>C on the plus strand (A>G on the coding strand, the complement: PALB2 is on the minus strand). VCF-style: chr16-23636038-T-C. GRCh37 (hg19) VCF-style: chr16-23647359-T-C.
Other names: short protein forms R170G.
Identifiers: ClinVar variation 220654 (VCV000220654.24), dbSNP rs864622622, ClinGen allele CA349481.